The following is an entry in ClinVar:

ClinVar aggregate classification (germline): Uncertain significance (1 of 4 stars; one submission).

Conditions:
Charcot-Marie-Tooth disease type 4. Also called: Charcot-Marie-Tooth, Type 4; Charcot-Marie-Tooth disease, type IV. Identifiers: Orphanet 64749, MedGen C4082197, MONDO:0018995.

Submission:

Labcorp Genetics (formerly Invitae), Labcorp
Classification: Uncertain significance for Charcot-Marie-Tooth disease type 4. Last evaluated: 2024-11-04. Review status: criteria provided, single submitter. Criteria: Invitae Variant Classification Sherloc (09022015). Collection method: clinical testing. Allele origin: germline.
Comment: This sequence change replaces serine, which is neutral and polar, with threonine, which is neutral and polar, at codon 424 of the FIG4 protein (p.Ser424Thr). This variant also falls at the last nucleotide of exon 11, which is part of the consensus splice site for this exon. This variant is not present in population databases (gnomAD no frequency). This variant has not been reported in the literature in individuals affected with FIG4-related conditions. An algorithm developed to predict the effect of missense changes on protein structure and function (PolyPhen-2) suggests that this variant is likely to be tolerated. Variants that disrupt the consensus splice site are a relatively common cause of aberrant splicing (PMID: 17576681, 9536098). Algorithms developed to predict the effect of sequence changes on RNA splicing suggest that this variant may disrupt the consensus splice site. In summary, the available evidence is currently insufficient to determine the role of this variant in disease. Therefore, it has been classified as a Variant of Uncertain Significance.

Literature cited by the submitters: PubMed 17576681; PubMed 9536098.

NM_014845.6(FIG4):c.1271G>C (p.Ser424Thr)

Gene: FIG4 (FIG4 phosphoinositide 5-phosphatase; plus strand). Cytogenetic location: 6q21.
Variant type: single nucleotide variant.
Coding change: c.1271G>C on transcript NM_014845.6 (MANE Select); coding-DNA position 1271, G replaced by C.
Protein change: p.Ser424Thr; replaces serine 424 with threonine.
Molecular consequence: missense variant.
Genome position (GRCh38, 1-based): chr6:109,760,383, G>C. VCF-style: chr6-109760383-G-C. GRCh37 (hg19) VCF-style: chr6-110081586-G-C.
Other names: short protein forms S424T.
Identifiers: ClinVar variation 3724060 (VCV003724060.2).
Genomic context (GRCh38, chr6:109,760,383, plus strand): 5'-TTTTGCCTCCTGAGCACACTATTGTTTATATTCCCTGGGACATGGCCAAGTATACCAAAA[G>C]GTGAATGATACTCATCTGTCTGGCTATGATCGTTTCCTTTTCTTGTGATGAGAAATAACA-3'
Protein context (NP_055660.1, residues 414-434): IPWDMAKYTK[Ser424Thr]KLCNVLDRLN